The following is an entry in ClinVar:

ClinVar aggregate classification (germline): Uncertain significance (1 of 4 stars; one submission).

Conditions:
Cardiovascular phenotype. Identifiers: MedGen CN230736.

gnomAD v4.1: 3 of 1,613,792 alleles (0.00019%); highest among the groups gnomAD compares: African/African-American, 0.0027%; no homozygotes.

Submission:

Ambry Genetics
Classification: Uncertain significance for Cardiovascular phenotype. Last evaluated: 2024-11-27. Review status: criteria provided, single submitter. Criteria: Ambry Variant Classification Scheme 2023. Collection method: clinical testing. Allele origin: germline.
Comment: The p.E562G variant (also known as c.1685A>G), located in coding exon 12 of the NEXN gene, results from an A to G substitution at nucleotide position 1685. The glutamic acid at codon 562 is replaced by glycine, an amino acid with similar properties. This amino acid position is well conserved in available vertebrate species. In addition, the in silico prediction for this alteration is inconclusive. Based on the available evidence, the clinical significance of this variant remains unclear.

NM_144573.4(NEXN):c.1685A>G (p.Glu562Gly)

Gene: NEXN (nexilin F-actin binding protein; plus strand). Cytogenetic location: 1p31.1.
Variant type: single nucleotide variant.
Coding change: c.1685A>G on transcript NM_144573.4 (MANE Select); coding-DNA position 1685, A replaced by G.
Protein change: p.Glu562Gly; replaces glutamic acid 562 with glycine.
Molecular consequence: missense variant.
Genome position (GRCh38, 1-based): chr1:77,942,486, A>G. VCF-style: chr1-77942486-A-G. GRCh37 (hg19) VCF-style: chr1-78408171-A-G.
Other names: c.1493A>G, p.Glu498Gly (NM_001172309.2); short protein forms E562G, E498G.
Identifiers: ClinVar variation 3404570 (VCV003404570.1).